The following is an entry in ClinVar:

NM_182961.4(SYNE1):c.24634C>T (p.Arg8212Cys)

Gene: SYNE1 (spectrin repeat containing nuclear envelope protein 1; minus strand). Cytogenetic location: 6q25.2.
Variant type: single nucleotide variant.
Coding change: c.24634C>T on transcript NM_182961.4 (MANE Select); coding-DNA position 24634, C replaced by T.
Protein change: p.Arg8212Cys; replaces arginine 8212 with cysteine.
Molecular consequence: missense variant.
Genome position (GRCh38, 1-based): chr6:152,149,485, G>A on the plus strand (C>T on the coding strand, the complement: SYNE1 is on the minus strand). VCF-style: chr6-152149485-G-A. GRCh37 (hg19) VCF-style: chr6-152470620-G-A.
Other names: c.1240C>T, p.Arg414Cys (NM_001347701.2); c.1099C>T, p.Arg367Cys (NM_001347702.2); c.24421C>T, p.Arg8141Cys (NM_033071.5); short protein forms R8141C, R8212C, R414C, R367C.
Identifiers: ClinVar variation 283642 (VCV000283642.14), dbSNP rs139885317, ClinGen allele CA4053131.
Genomic context (GRCh38, chr6:152,149,485, plus strand): 5'-CGACTTATTCTCTTTAGATTTAATGACAACTAAGAAAATCAATGTTACATACAGGCAGGC[G>A]GATCAGTTTCTTATGGTATCTTTCCACACGCCCGAAGACCTCCTGGCAGTACCGTCGGAG-3'
Protein context (NP_892006.3, residues 8202-8222): RVERYHKKLI[Arg8212Cys]LPLPDDEHDL

ClinVar aggregate classification (germline): Uncertain significance. Review status: criteria provided, multiple submitters, no conflicts (2 of 4 stars). 3 submissions from 3 submitters: Uncertain significance (3). Last evaluated 2025-09-16.

Conditions:
Autosomal recessive ataxia, Beauce type. Also called: Spinocerebellar ataxia, autosomal recessive 8; ATAXIA, RECESSIVE, OF BEAUCE; SYNE1-Related Autosomal Recessive Cerebellar Ataxia; SYNE1 Deficiency. Identifiers: Orphanet 88644, MedGen C1853116, MONDO:0012549, OMIM 610743.
Emery-Dreifuss muscular dystrophy 4, autosomal dominant (EDMD4). Also called: EMERY-DREIFUSS MUSCULAR DYSTROPHY 4 WITH VARIABLE FEATURES. Identifiers: Orphanet 261, MedGen C2751807, MONDO:0013071, OMIM 612998.

Allele frequency attached by ClinVar (database versions not stated): gnomAD 0.00005 and 0.00006; TOPMed 0.00006; ExAC 0.00007; gnomAD exomes 0.00009; ESP Exome Variant Server 0.00015.
gnomAD v4.1: 72 of 1,614,132 alleles (0.0045%); highest among the groups gnomAD compares: South Asian, 0.035%; no homozygotes.

Submissions (3):

Labcorp Genetics (formerly Invitae), Labcorp
Classification: Uncertain significance for Emery-Dreifuss muscular dystrophy 4, autosomal dominant; Autosomal recessive ataxia, Beauce type. Last evaluated: 2025-09-16. Review status: criteria provided, single submitter. Criteria: Invitae Variant Classification Sherloc (09022015). Collection method: clinical testing. Allele origin: germline.
Comment: This sequence change replaces arginine, which is basic and polar, with cysteine, which is neutral and slightly polar, at codon 8141 of the SYNE1 protein (p.Arg8141Cys). This variant is present in population databases (rs139885317, gnomAD 0.04%). This variant has not been reported in the literature in individuals affected with SYNE1-related conditions. ClinVar contains an entry for this variant (Variation ID: 283642). An algorithm developed to predict the effect of missense changes on protein structure and function (PolyPhen-2) suggests that this variant is likely to be disruptive. In summary, the available evidence is currently insufficient to determine the role of this variant in disease. Therefore, it has been classified as a Variant of Uncertain Significance.

Revvity Omics, Revvity
Classification: Uncertain significance. Last evaluated: 2022-03-07. Review status: criteria provided, single submitter. Criteria: ACMG Guidelines, 2015. Collection method: clinical testing. Allele origin: germline.

Eurofins Ntd Llc (ga)
Classification: Uncertain significance. Last evaluated: 2017-03-26. Review status: criteria provided, single submitter. Criteria: EGL Classification Definitions 2015. Collection method: clinical testing. Allele origin: germline. Observed: 3 variant alleles, 3 heterozygotes.